The following is an entry in ClinVar:

NM_178170.3(NEK8):c.1189dup (p.Ala397fs)

Gene: NEK8 (NIMA related kinase 8; plus strand). Cytogenetic location: 17q11.2.
Variant type: Duplication.
Coding change: c.1189dup on transcript NM_178170.3 (MANE Select); coding-DNA position 1189, one base duplicated (G; older notation c.1189dupG).
Protein change: p.Ala397fs; shifts the reading frame from alanine 397.
Molecular consequence: frameshift variant.
Genome position (GRCh38, 1-based): chr17:28,738,212, G duplicated; the last of 2 consecutive G bases (chr17:28,738,211-28,738,212); duplicating either gives the same sequence. VCF-style (leftmost placement, unchanged base first): chr17-28738210-T-TG. GRCh37 (hg19) VCF-style: chr17-27065228-T-TG.
Other names: short protein forms A397fs.
Identifiers: ClinVar variation 4082470 (VCV004082470.2).

ClinVar aggregate classification (germline): Likely pathogenic (1 of 4 stars; one submission).

Submission:

Genetic Services Laboratory, University of Chicago
Classification: Likely pathogenic. Last evaluated: 2024-07-31. Review status: criteria provided, single submitter. Criteria: ACMG Guidelines, 2015. Collection method: clinical testing. Allele origin: germline. Affected: yes.
Comment: DNA sequence analysis of the NEK8 gene demonstrated a single base pair duplication in exon 8, c.1189dup. This pathogenic sequence change results in an amino acid frameshift and creates a premature stop codon 11 amino acids downstream of the change, p.Ala397Glyfs*12. This sequence change is predicted to result in an abnormal transcript, which may be degraded, or may lead to the production of a truncated NKE8 protein with potentially abnormal function. While this duplication has not previously been described in the literature, other loss of function variants in the NEK8 gene have been described in several individuals with NEK8-related disorders and have been reported to be pathogneic (PMIDs: 23418306, 26967905). This sequence change has been described in the gnomAD database with an ovarall frequency of 0.0004% (dbSNP rs1443856330). Collectively, this evidence indicates that this sequence change is likely pathogenic, however functional studies have not been performed to prove this conclusively.